The following is an entry in ClinVar:

ClinVar aggregate classification (germline): Uncertain significance. Review status: criteria provided, multiple submitters, no conflicts (2 of 4 stars). 3 submissions from 3 submitters: Uncertain significance (3). Last evaluated 2023-11-14.

Conditions:
Hereditary cancer-predisposing syndrome. Also called: Neoplastic Syndromes, Hereditary; Hereditary Cancer Syndrome; Tumor predisposition; Hereditary neoplastic syndrome. Identifiers: Orphanet 140162, MedGen C0027672, MeSH D009386, MONDO:0015356.
Familial melanoma. Also called: Hereditary cutaneous melanoma; Hereditary melanoma. Identifiers: Orphanet 618, MedGen C1512419, MONDO:0018961.

Submissions (3):

Labcorp Genetics (formerly Invitae), Labcorp
Classification: Uncertain significance for Familial melanoma. Last evaluated: 2023-11-14. Review status: criteria provided, single submitter. Criteria: Invitae Variant Classification Sherloc (09022015). Collection method: clinical testing. Allele origin: germline.
Comment: This sequence change replaces arginine, which is basic and polar, with histidine, which is basic and polar, at codon 112 of the CDKN2A (p16INK4a) protein (p.Arg112His). This variant is not present in population databases (gnomAD no frequency). This variant has not been reported in the literature in individuals affected with CDKN2A (p16INK4a)-related conditions. ClinVar contains an entry for this variant (Variation ID: 142887). Algorithms developed to predict the effect of missense changes on protein structure and function output the following: SIFT: "Not Available"; PolyPhen-2: "Benign"; Align-GVGD: "Not Available". The histidine amino acid residue is found in multiple mammalian species, which suggests that this missense change does not adversely affect protein function. Experimental studies have shown that this missense change does not substantially affect CDKN2A (p16INK4a) function (PMID: 12606942). This variant disrupts the p.Arg112 amino acid residue in CDKN2A (p16INK4a). Other variant(s) that disrupt this residue have been determined to be pathogenic (PMID: 10398427, 12072543, 16307646, 16896043, 16905682, 17047042). This suggests that this residue is clinically significant, and that variants that disrupt this residue are likely to be disease-causing. In summary, the available evidence is currently insufficient to determine the role of this variant in disease. Therefore, it has been classified as a Variant of Uncertain Significance.

Ambry Genetics
Classification: Uncertain significance for Hereditary cancer-predisposing syndrome. Last evaluated: 2022-08-11. Review status: criteria provided, single submitter. Criteria: Ambry Variant Classification Scheme 2023. Collection method: clinical testing. Allele origin: germline.
Comment: The p.R112H variant (also known as c.335G>A), located in coding exon 2 of the CDKN2A gene, results from a G to A substitution at nucleotide position 335. The arginine at codon 112 is replaced by histidine, an amino acid with highly similar properties. This amino acid position is well conserved in available vertebrate species. In addition, this alteration is predicted to be deleterious by in silico analysis. Since supporting evidence is limited at this time, the clinical significance of this alteration remains unclear.

Color Diagnostics, LLC DBA Color Health
Classification: Uncertain significance for Hereditary cancer-predisposing syndrome. Last evaluated: 2019-09-17. Review status: criteria provided, single submitter. Criteria: ACMG Guidelines, 2015. Collection method: clinical testing. Allele origin: germline.
Comment: This variant replaces arginine with histidine at codon 112 of the CDKN2A-p16INK4A protein. Computational prediction tool suggests that this variant may not impact protein structure and function (internally defined REVEL score threshold ≤0.5, PMID: 27666373). Splice site prediction tools suggest that this variant may not impact RNA splicing. To our knowledge, functional studies have not been performed for this variant. This variant has not been reported in individuals affected with hereditary cancer in the literature. This variant has not been identified in the general population by the Genome Aggregation Database (gnomAD). The available evidence is insufficient to determine the role of this variant in disease conclusively. Therefore, this variant is classified as a Variant of Uncertain Significance.

Literature cited by the submitters: PubMed 12606942 (cited by Labcorp Genetics (formerly Invitae), Labcorp); PubMed 10398427 (cited by Labcorp Genetics (formerly Invitae), Labcorp); PubMed 12072543 (cited by Labcorp Genetics (formerly Invitae), Labcorp); PubMed 16307646 (cited by Labcorp Genetics (formerly Invitae), Labcorp); PubMed 16896043 (cited by Labcorp Genetics (formerly Invitae), Labcorp); PubMed 16905682 (cited by Labcorp Genetics (formerly Invitae), Labcorp); PubMed 17047042 (cited by Labcorp Genetics (formerly Invitae), Labcorp); PubMed 21462282 (cited by Ambry Genetics).

NM_000077.5(CDKN2A):c.335G>A (p.Arg112His)

Gene: CDKN2A (cyclin dependent kinase inhibitor 2A; minus strand). Cytogenetic location: 9p21.3.
Variant type: single nucleotide variant.
Coding change: c.335G>A on transcript NM_000077.5; coding-DNA position 335, G replaced by A.
Protein change: p.Arg112His; replaces arginine 112 with histidine.
Molecular consequence: missense variant (on NM_001195132.2). On other transcripts: synonymous variant (1), 3 prime UTR variant (1).
Genome position (GRCh38, 1-based): chr9:21,971,024, C>T on the plus strand (G>A on the coding strand, the complement: CDKN2A is on the minus strand). VCF-style: chr9-21971024-C-T. GRCh37 (hg19) VCF-style: chr9-21971023-C-T.
Other names: c.335G>A, p.Arg112His (NM_001195132.2, NM_000077.6); c.182G>A, p.Arg61His (NM_001363763.2); c.378G>A, p.Pro126= (NM_058195.4); c.*258G>A (NM_058197.5); short protein forms R112H, R61H.
Identifiers: ClinVar variation 142887 (VCV000142887.18), dbSNP rs587782797, ClinGen allele CA169678.